The following is an entry in ClinVar:

ClinVar aggregate classification (germline): Benign (1 of 4 stars; one submission).

Conditions:
Hereditary diffuse gastric adenocarcinoma (HDGC). Also called: DIFFUSE GASTRIC AND LOBULAR BREAST CANCER SYNDROME. Identifiers: Orphanet 26106, MedGen C1708349, MONDO:0007648, OMIM 137215.

Submission:

Myriad Genetics, Inc.
Classification: Benign for Hereditary diffuse gastric adenocarcinoma. Last evaluated: 2024-09-24. Review status: criteria provided, single submitter. Criteria: Myriad Autosomal Dominant, Autosomal Recessive and X-Linked Classification Criteria (2023). Collection method: clinical testing. Allele origin: unknown.
Comment: This variant is considered benign. This variant is a silent/synonymous amino acid change and it is not expected to impact splicing.

NM_004360.5(CDH1):c.2466C>A (p.Pro822=)

Gene: CDH1 (cadherin 1; plus strand). Cytogenetic location: 16q22.1.
Variant type: single nucleotide variant.
Coding change: c.2466C>A on transcript NM_004360.5 (MANE Select); coding-DNA position 2466, C replaced by A.
Protein change: p.Pro822=; no amino-acid change (proline 822 retained).
Molecular consequence: synonymous variant.
Genome position (GRCh38, 1-based): chr16:68,833,316, C>A. VCF-style: chr16-68833316-C-A. GRCh37 (hg19) VCF-style: chr16-68867219-C-A.
Other names: c.2283C>A, p.Pro761= (NM_001317184.2); c.918C>A, p.Pro306= (NM_001317185.2); c.501C>A, p.Pro167= (NM_001317186.2).
Identifiers: ClinVar variation 3378919 (VCV003378919.1).
Genomic context (GRCh38, chr16:68,833,316, plus strand): 5'-TCACTAAAAGATGCTTTTGTCCCTTCTTCTTTAGAATCTGAAAGCGGCTGATACTGACCC[C>A]ACAGCCCCGCCTTATGATTCTCTGCTCGTGTTTGACTATGAAGGAAGCGGTTCCGAAGCT-3'
Protein context (NP_004351.1, residues 812-832): DENLKAADTD[Pro822=]TAPPYDSLLV